The following is an entry in ClinVar:

ClinVar aggregate classification (germline): Benign/Likely benign. Review status: criteria provided, multiple submitters, no conflicts (2 of 4 stars). 22 submissions from 20 submitters: Benign (11); Likely benign (5). 6 of the submissions do not count toward it. Last evaluated 2026-10-01.

Conditions:
DSP-related disorder. Also called: DSP-related condition; DSP-related disorders.
Arrhythmogenic cardiomyopathy with wooly hair and keratoderma. Also called: Carvajal syndrome; Dilated cardiomyopathy with woolly hair and keratoderma; Arrhythmogenic cardiomyopathy with woolly hair and keratoderma; PALMOPLANTAR KERATODERMA WITH LEFT VENTRICULAR CARDIOMYOPATHY AND WOOLLY HAIR. Identifiers: Orphanet 65282, MedGen C1854063, MONDO:0011581, OMIM 605676.
Arrhythmogenic right ventricular dysplasia 8 (ARVD8). Also called: Arrhythmogenic Right Ventricular Dysplasia/Cardiomyopathy 8; ARRHYTHMOGENIC RIGHT VENTRICULAR DYSPLASIA, FAMILIAL, 8; ARRHYTHMOGENIC RIGHT VENTRICULAR CARDIOMYOPATHY 8. Identifiers: MedGen C1843896, MONDO:0011831, OMIM 607450.
Cardiomyopathy (CMYO). Also called: Cardiomyopathies. Identifiers: Orphanet 167848, MedGen C0878544, MONDO:0004994, HP:0001638. Inheritance: Various modes of inheritance.
Woolly hair-skin fragility syndrome (WHSF). Identifiers: Orphanet 293165, MedGen C1843292, MONDO:0957307, OMIM 620415.
Lethal acantholytic epidermolysis bullosa (EBLA). Identifiers: Orphanet 158687, MedGen C1864826, MONDO:0012323, OMIM 609638.
Cardiomyopathy, dilated, with wooly hair, keratoderma, and tooth agenesis. Also called: Cardiomyopathy, dilated, with woolly hair, keratoderma, and tooth agenesis; Erythrokeratodermia-cardiomyopathy syndrome. Identifiers: Orphanet 476096, Orphanet 65282, MedGen C4014393, MONDO:0014355, OMIM 615821.
Keratosis palmoplantaris striata 2. Also called: KERATODERMA, PALMOPLANTAR, STRIATE FORM II; STRIATE PALMOPLANTAR KERATODERMA II; Keratosis palmoplantaris striata II. Identifiers: MedGen C1852127, MONDO:0013034, OMIM 612908.

Allele frequency attached by ClinVar (database versions not stated): 1000 Genomes Project 0.00339; gnomAD 0.00576 and 0.00587; 1000 Genomes Project 30x 0.00375; TOPMed 0.00645; gnomAD exomes 0.00530 and 0.00809; ESP Exome Variant Server 0.00621; ExAC 0.00940.
gnomAD v4.1: 12,438 of 1,584,904 alleles (0.78%); highest among the groups gnomAD compares: Non-Finnish European, 0.96%; 62 homozygotes.

Submissions (22):

CeGaT Center for Human Genetics Tuebingen
Classification: Likely benign. Last evaluated: 2026-10-01. Review status: criteria provided, single submitter. Criteria: CeGaT Center For Human Genetics Tuebingen Variant Classification Criteria Version 2. Collection method: clinical testing. Allele origin: germline. Affected: yes. Observed: 69 variant alleles.
Comment: DSP: BP4, BP7, BS2

Labcorp Genetics (formerly Invitae), Labcorp
Classification: Benign for Arrhythmogenic cardiomyopathy with wooly hair and keratoderma; Arrhythmogenic right ventricular dysplasia 8. Last evaluated: 2026-02-03. Review status: criteria provided, single submitter. Criteria: Invitae Variant Classification Sherloc (09022015). Collection method: clinical testing. Allele origin: germline.

ARUP Laboratories, Molecular Genetics and Genomics, ARUP Laboratories
Classification: Benign. Last evaluated: 2025-07-22. Review status: criteria provided, single submitter. Criteria: ARUP Molecular Germline Variant Investigation Process 2024. Collection method: clinical testing. Allele origin: germline.

PreventionGenetics, part of Exact Sciences
Classification: Benign for DSP-related condition. Last evaluated: 2025-07-01. Review status: criteria provided, single submitter. Criteria: ACMG Guidelines, 2015. Collection method: clinical testing. Allele origin: germline.
Comment: This variant is classified as benign based on ACMG/AMP sequence variant interpretation guidelines (Richards et al. 2015 PMID: 25741868, with internal and published modifications).

Mayo Clinic Laboratories, Mayo Clinic
Classification: Benign. Last evaluated: 2025-02-28. Review status: criteria provided, single submitter. Criteria: ACMG Guidelines, 2015. Collection method: clinical testing. Allele origin: germline. Observed: 16 variant alleles.
Comment: BS1, BS2, BP4, BP7

Molecular Diagnostic Laboratory for Inherited Cardiovascular Disease, Montreal Heart Institute
Classification: Benign. Last evaluated: 2025-02-17. Review status: criteria provided, single submitter. Criteria: ACMG Guidelines, 2015. Collection method: clinical testing. Allele origin: germline. Affected: no.

Blueprint Genetics
Classification: Likely benign. Last evaluated: 2024-11-26. Review status: criteria provided, single submitter. Criteria: ACMG Guidelines, 2015. Collection method: clinical testing. Allele origin: germline.

Fulgent Genetics
Classification: Likely benign for Arrhythmogenic cardiomyopathy with wooly hair and keratoderma; Arrhythmogenic right ventricular dysplasia 8; Lethal acantholytic epidermolysis bullosa; Keratosis palmoplantaris striata 2; Cardiomyopathy, dilated, with wooly hair, keratoderma, and tooth agenesis. Last evaluated: 2021-07-19. Review status: criteria provided, single submitter. Criteria: ACMG Guidelines, 2015. Collection method: clinical testing. Allele origin: unknown.

Color Diagnostics, LLC DBA Color Health
Classification: Benign for Cardiomyopathy. Last evaluated: 2018-03-14. Review status: criteria provided, single submitter. Criteria: ACMG Guidelines, 2015. Collection method: clinical testing. Allele origin: germline.

Illumina Laboratory Services, Illumina
Classification: Benign for Arrhythmogenic cardiomyopathy with wooly hair and keratoderma. Last evaluated: 2018-01-12. Review status: criteria provided, single submitter. Criteria: ICSL Variant Classification Criteria 13 December 2019. Collection method: clinical testing. Allele origin: germline.
Comment: This variant was observed in the ICSL laboratory as part of a predisposition screen in an ostensibly healthy population. It had not been previously curated by ICSL or reported in the Human Gene Mutation Database (HGMD: prior to June 1st, 2018), and was therefore a candidate for classification through an automated scoring system. Utilizing variant allele frequency, disease prevalence and penetrance estimates, and inheritance mode, an automated score was calculated to assess if this variant is too frequent to cause the disease. Based on the score and internal cut-off values, a variant classified as benign is not then subjected to further curation. The score for this variant resulted in a classification of benign for this disease.

Illumina Laboratory Services, Illumina
Classification: Likely benign for Arrhythmogenic right ventricular dysplasia 8. Last evaluated: 2018-01-12. Review status: criteria provided, single submitter. Criteria: ICSL Variant Classification Criteria 13 December 2019. Collection method: clinical testing. Allele origin: germline.
Comment: This variant was observed in the ICSL laboratory as part of a predisposition screen in an ostensibly healthy population. It had not been previously curated by ICSL or reported in the Human Gene Mutation Database (HGMD: prior to June 1st, 2018), and was therefore a candidate for classification through an automated scoring system. Utilizing variant allele frequency, disease prevalence and penetrance estimates, and inheritance mode, an automated score was calculated to assess if this variant is too frequent to cause the disease. Based on the score and internal cut-off values, a variant classified as likely benign is not then subjected to further curation. The score for this variant resulted in a classification of likely benign for this disease.

Illumina Laboratory Services, Illumina
Classification: Benign for Lethal acantholytic epidermolysis bullosa. Last evaluated: 2018-01-12. Review status: criteria provided, single submitter. Criteria: ICSL Variant Classification Criteria 13 December 2019. Collection method: clinical testing. Allele origin: germline.
Comment: the same text as in the submission from Illumina Laboratory Services, Illumina above.

Laboratory for Molecular Medicine, Mass General Brigham Personalized Medicine
Classification: Benign. Last evaluated: 2017-09-04. Review status: criteria provided, single submitter. Criteria: LMM Criteria. Collection method: clinical testing. Allele origin: germline. Observed: 36 variant alleles.
Comment: p.Gly35Gly in exon 1 of DSP: This variant is not expected to have clinical signi ficance because it does not alter an amino acid residue and is not located withi n the splice consensus sequence. It has been identified in 1.6% (293/18358) of E uropean chromosomes by the Exome Aggregation Consortium (ExAC; dbSNP rs77445784).

GeneDx
Classification: Benign. Last evaluated: 2015-03-03. Review status: criteria provided, single submitter. Criteria: GeneDx Variant Classification Process June 2021. Collection method: clinical testing. Allele origin: germline. Affected: yes.

Eurofins Ntd Llc (ga)
Classification: Benign. Last evaluated: 2014-02-06. Review status: criteria provided, single submitter. Criteria: EGL Classification Definitions 2015. Collection method: clinical testing. Allele origin: germline. Observed: 2 variant alleles, 2 heterozygotes.

Breakthrough Genomics
Classification: Likely benign. Review status: criteria provided, single submitter. Criteria: ACMG Guidelines, 2015. Collection method: not provided. Allele origin: germline. Inheritance: Autosomal recessive inheritance. Affected: yes.

Women's Health and Genetics/Laboratory Corporation of America, LabCorp
Classification: Benign for Cardiomyopathy. Last evaluated: 2015-05-13. Review status: no assertion criteria provided. Collection method: clinical testing. Allele origin: germline. Not counted in ClinVar's aggregate classification.

Clinical Genetics DNA and cytogenetics Diagnostics Lab, Erasmus MC, Erasmus Medical Center
Classification: Benign. Review status: no assertion criteria provided. Collection method: clinical testing. Allele origin: germline. Affected: yes. Study: VKGL Data-share Consensus. Not counted in ClinVar's aggregate classification.

Clinical Genetics, Academic Medical Center
Classification: Benign. Review status: no assertion criteria provided. Collection method: clinical testing. Allele origin: germline. Affected: yes. Study: VKGL Data-share Consensus. Not counted in ClinVar's aggregate classification.

Diagnostic Laboratory, Department of Genetics, University Medical Center Groningen
Classification: Benign. Review status: no assertion criteria provided. Collection method: clinical testing. Allele origin: germline. Affected: yes. Study: VKGL Data-share Consensus. Not counted in ClinVar's aggregate classification.

Genome Diagnostics Laboratory, University Medical Center Utrecht
Classification: Benign. Review status: no assertion criteria provided. Collection method: clinical testing. Allele origin: germline. Affected: yes. Study: VKGL Data-share Consensus. Not counted in ClinVar's aggregate classification.

Joint Genome Diagnostic Labs from Nijmegen and Maastricht, Radboudumc and MUMC+
Classification: Benign. Review status: no assertion criteria provided. Collection method: clinical testing. Allele origin: germline. Affected: yes. Study: VKGL Data-share Consensus. Not counted in ClinVar's aggregate classification.

Literature cited by the submitters: PubMed 21606396 (cited by Laboratory for Molecular Medicine, Mass General Brigham Personalized Medicine).

NM_004415.4(DSP):c.105G>A (p.Gly35=)

Genes: DSP (desmoplakin; plus strand), DSP-AS1 (DSP antisense RNA 1; minus strand). Cytogenetic location: 6p24.3.
Variant type: single nucleotide variant.
Coding change: c.105G>A on transcript NM_004415.4 (MANE Select); coding-DNA position 105, G replaced by A.
Protein change: p.Gly35=; no amino-acid change (glycine 35 retained).
Molecular consequence: synonymous variant.
Genome position (GRCh38, 1-based): chr6:7,542,020, G>A. VCF-style: chr6-7542020-G-A. GRCh37 (hg19) VCF-style: chr6-7542253-G-A.
Other names: p.Gly35=; c.105G>A, p.Gly35= (NM_001008844.3, NM_001319034.2); c.105G>A (NM_004415.3).
Identifiers: ClinVar variation 36016 (VCV000036016.86), dbSNP rs77445784, ClinGen allele CA004756.